The following is an entry in ClinVar:

NM_006767.4(LZTR1):c.158G>T (p.Arg53Leu)

Gene: LZTR1 (leucine zipper like post translational regulator 1; plus strand). Cytogenetic location: 22q11.21.
Variant type: single nucleotide variant.
Coding change: c.158G>T on transcript NM_006767.4 (MANE Select); coding-DNA position 158, G replaced by T.
Protein change: p.Arg53Leu; replaces arginine 53 with leucine.
Molecular consequence: missense variant.
Genome position (GRCh38, 1-based): chr22:20,982,529, G>T. VCF-style: chr22-20982529-G-T. GRCh37 (hg19) VCF-style: chr22-21336818-G-T.
Other names: short protein forms R53L.
Identifiers: ClinVar variation 3541529 (VCV003541529.1).

ClinVar aggregate classification (germline): Uncertain significance (1 of 4 stars; one submission).

Conditions:
Hereditary cancer-predisposing syndrome. Also called: Hereditary Cancer Syndrome; Hereditary neoplastic syndrome; Tumor predisposition; Neoplastic Syndromes, Hereditary. Identifiers: Orphanet 140162, MedGen C0027672, MeSH D009386, MONDO:0015356.
Cardiovascular phenotype. Identifiers: MedGen CN230736.

Submission:

Ambry Genetics
Classification: Uncertain significance for Cardiovascular phenotype; Hereditary cancer-predisposing syndrome. Last evaluated: 2024-09-15. Review status: criteria provided, single submitter. Criteria: Ambry Variant Classification Scheme 2023. Collection method: clinical testing. Allele origin: germline.
Comment: The p.R53L variant (also known as c.158G>T), located in coding exon 1 of the LZTR1 gene, results from a G to T substitution at nucleotide position 158. The arginine at codon 53 is replaced by leucine, an amino acid with dissimilar properties. This amino acid position is conserved. In addition, this alteration is predicted to be deleterious by in silico analysis. Based on the available evidence, the clinical significance of this variant remains unclear.